The following is an entry in ClinVar:

ClinVar aggregate classification (germline): Uncertain significance (1 of 4 stars; one submission).

Submission:

Labcorp Genetics (formerly Invitae), Labcorp
Classification: Uncertain significance. Last evaluated: 2022-10-17. Review status: criteria provided, single submitter. Criteria: Invitae Variant Classification Sherloc (09022015). Collection method: clinical testing. Allele origin: germline.
Comment: In summary, the available evidence is currently insufficient to determine the role of this variant in disease. Therefore, it has been classified as a Variant of Uncertain Significance. Algorithms developed to predict the effect of missense changes on protein structure and function (SIFT, PolyPhen-2, Align-GVGD) all suggest that this variant is likely to be tolerated. This variant has not been reported in the literature in individuals affected with RNF31-related conditions. This variant is not present in population databases (gnomAD no frequency). This sequence change replaces glutamic acid, which is acidic and polar, with alanine, which is neutral and non-polar, at codon 674 of the RNF31 protein (p.Glu674Ala).

NM_017999.5(RNF31):c.2021A>C (p.Glu674Ala)

Gene: RNF31 (ring finger protein 31; plus strand). Cytogenetic location: 14q12.
Variant type: single nucleotide variant.
Coding change: c.2021A>C on transcript NM_017999.5 (MANE Select); coding-DNA position 2021, A replaced by C.
Protein change: p.Glu674Ala; replaces glutamic acid 674 with alanine.
Molecular consequence: missense variant.
Genome position (GRCh38, 1-based): chr14:24,151,883, A>C. VCF-style: chr14-24151883-A-C. GRCh37 (hg19) VCF-style: chr14-24621092-A-C.
Other names: c.1568A>C, p.Glu523Ala (NM_001310332.2); short protein forms E523A, E674A.
Identifiers: ClinVar variation 1721681 (VCV001721681.6), dbSNP rs2502005606, ClinGen allele CA389299055.